The following is an entry in ClinVar:

NM_000642.3(AGL):c.2059T>G (p.Ser687Ala)

Gene: AGL (amylo-alpha-1,6-glucosidase and 4-alpha-glucanotransferase; plus strand). Cytogenetic location: 1p21.2.
Variant type: single nucleotide variant.
Coding change: c.2059T>G on transcript NM_000642.3 (MANE Select); coding-DNA position 2059, T replaced by G.
Protein change: p.Ser687Ala; replaces serine 687 with alanine.
Molecular consequence: missense variant.
Genome position (GRCh38, 1-based): chr1:99,881,349, T>G. VCF-style: chr1-99881349-T-G. GRCh37 (hg19) VCF-style: chr1-100346905-T-G.
Other names: c.2059T>G, p.Ser687Ala (NM_000028.3, NM_000643.3, NM_000644.3 and 2 more transcripts); c.2011T>G, p.Ser671Ala (NM_000646.3); c.1858T>G, p.Ser620Ala (NM_001425327.1); c.1855T>G, p.Ser619Ala (NM_001425328.1, NM_001425329.1); c.1681T>G, p.Ser561Ala (NM_001425332.1); c.2059T>G (NM_000642.2); short protein forms S687A, S671A, S561A, S619A, S620A.
Identifiers: ClinVar variation 1973569 (VCV001973569.4), dbSNP rs577533220, ClinGen allele CA966684.

ClinVar aggregate classification (germline): Uncertain significance. Review status: criteria provided, multiple submitters, no conflicts (2 of 4 stars). 2 submissions from 2 submitters: Uncertain significance (2). Last evaluated 2025-04-21.

Conditions:
Inborn genetic diseases. Identifiers: MedGen C0950123, MeSH D030342.
Glycogen storage disease type III (GSD3). Also called: Cori disease; FORBES DISEASE. Identifiers: Orphanet 366, MedGen C0017922, MONDO:0009291, OMIM 232400.

gnomAD v4.1: 15 of 1,614,122 alleles (0.00093%); highest among the groups gnomAD compares: South Asian, 0.016%; no homozygotes.

Submissions (2):

Labcorp Genetics (formerly Invitae), Labcorp
Classification: Uncertain significance for Glycogen storage disease type III. Last evaluated: 2025-04-21. Review status: criteria provided, single submitter. Criteria: Invitae Variant Classification Sherloc (09022015). Collection method: clinical testing. Allele origin: germline.
Comment: This sequence change replaces serine, which is neutral and polar, with alanine, which is neutral and non-polar, at codon 687 of the AGL protein (p.Ser687Ala). This variant is present in population databases (rs577533220, gnomAD 0.02%). This variant has not been reported in the literature in individuals affected with AGL-related conditions. ClinVar contains an entry for this variant (Variation ID: 1973569). Invitae Evidence Modeling of protein sequence and biophysical properties (such as structural, functional, and spatial information, amino acid conservation, physicochemical variation, residue mobility, and thermodynamic stability) indicates that this missense variant is not expected to disrupt AGL protein function with a negative predictive value of 80%. In summary, the available evidence is currently insufficient to determine the role of this variant in disease. Therefore, it has been classified as a Variant of Uncertain Significance.

Ambry Genetics
Classification: Uncertain significance for Inborn genetic diseases. Last evaluated: 2024-12-10. Review status: criteria provided, single submitter. Criteria: Ambry Variant Classification Scheme 2023. Collection method: clinical testing. Allele origin: germline.